The following is an entry in ClinVar:

NM_014908.4(DOLK):c.101T>C (p.Ile34Thr)

Gene: DOLK (dolichol kinase; minus strand). Cytogenetic location: 9q34.11.
Variant type: single nucleotide variant.
Coding change: c.101T>C on transcript NM_014908.4 (MANE Select); coding-DNA position 101, T replaced by C.
Protein change: p.Ile34Thr; replaces isoleucine 34 with threonine.
Molecular consequence: missense variant.
Genome position (GRCh38, 1-based): chr9:128,947,203, A>G on the plus strand (T>C on the coding strand, the complement: DOLK is on the minus strand). VCF-style: chr9-128947203-A-G. GRCh37 (hg19) VCF-style: chr9-131709482-A-G.
Other names: short protein forms I34T.
Identifiers: ClinVar variation 464194 (VCV000464194.7), dbSNP rs1554826863, ClinGen allele CA375128486.

ClinVar aggregate classification (germline): Uncertain significance (1 of 4 stars; one submission).

Conditions:
DK1-congenital disorder of glycosylation. Also called: CONGENITAL DISORDER OF GLYCOSYLATION, TYPE Im; CDG Im; DK1 DEFICIENCY; DOLICHOL KINASE DEFICIENCY; DOLK-congenital disorder of glycosylation; Carbohydrate deficient glycoprotein syndrome type 1m. Identifiers: Orphanet 91131, MedGen C1835849, MONDO:0012556, OMIM 610768.

Submission:

Labcorp Genetics (formerly Invitae), Labcorp
Classification: Uncertain significance for DK1-congenital disorder of glycosylation. Last evaluated: 2021-12-10. Review status: criteria provided, single submitter. Criteria: Invitae Variant Classification Sherloc (09022015). Collection method: clinical testing. Allele origin: germline.
Comment: In summary, the available evidence is currently insufficient to determine the role of this variant in disease. Therefore, it has been classified as a Variant of Uncertain Significance. Algorithms developed to predict the effect of missense changes on protein structure and function (SIFT, PolyPhen-2, Align-GVGD) all suggest that this variant is likely to be tolerated. ClinVar contains an entry for this variant (Variation ID: 464194). This variant has not been reported in the literature in individuals affected with DOLK-related conditions. This variant is not present in population databases (gnomAD no frequency). This sequence change replaces isoleucine, which is neutral and non-polar, with threonine, which is neutral and polar, at codon 34 of the DOLK protein (p.Ile34Thr).